The following is an entry in ClinVar:

NM_001069.3(TUBB2A):c.580G>A (p.Glu194Lys)

Gene: TUBB2A (tubulin beta 2A class IIa; minus strand). Cytogenetic location: 6p25.2.
Variant type: single nucleotide variant.
Coding change: c.580G>A on transcript NM_001069.3 (MANE Select); coding-DNA position 580, G replaced by A.
Protein change: p.Glu194Lys; replaces glutamic acid 194 with lysine.
Molecular consequence: missense variant.
Genome position (GRCh38, 1-based): chr6:3,154,621, C>T on the plus strand (G>A on the coding strand, the complement: TUBB2A is on the minus strand). VCF-style: chr6-3154621-C-T. GRCh37 (hg19) VCF-style: chr6-3154855-C-T.
Other names: c.325G>A, p.Glu109Lys (NM_001310315.2); short protein forms E194K, E109K.
Identifiers: ClinVar variation 449113 (VCV000449113.4), dbSNP rs1554122959, ClinGen allele CA362592425.
Genomic context (GRCh38, chr6:3,154,621, plus strand): 5'-TGCGGAAGCAGATGTCATACAGGGCCTCGTTATCAATGGAGTAGGTTTCATCTGTGTTTT[C>T]CACCAGCTGGTGGACAGAGAGGGTGGCGTTGTAGGGCTCCACCACCGTGTCTGACACCTT-3'
Protein context (NP_001060.1, residues 184-204): NATLSVHQLV[Glu194Lys]NTDETYSIDN

ClinVar aggregate classification (germline): Pathogenic/Likely pathogenic. Review status: criteria provided, multiple submitters, no conflicts (2 of 4 stars). 2 submissions from 2 submitters: Pathogenic (1); Likely pathogenic (1). Last evaluated 2017-09-19.

Conditions:
Complex cortical dysplasia with other brain malformations 5. Identifiers: MedGen C3810407, MONDO:0014337, OMIM 615763.

Submissions (2):

GeneDx
Classification: Pathogenic. Last evaluated: 2017-09-19. Review status: criteria provided, single submitter. Criteria: GeneDx Variant Classification (06012015). Collection method: clinical testing. Allele origin: germline. Affected: yes.
Comment: The E194K variant in the TUBB2A gene has not been reported previously as a pathogenic variant, nor as a benign variant, to our knowledge. The E194K variant is not observed in large population cohorts (Lek et al., 2016; 1000 Genomes Consortium et al., 2015; Exome Variant Server). The E194K variant is a non-conservative amino acid substitution, which is likely to impact secondary protein structure as these residues differ in polarity, charge, size and/or other properties. This substitution occurs at a position that is conserved across species. In silico analysis predicts this variant is probably damaging to the protein structure/function. We interpret E194K as a pathogenic variant.

Neuberg Centre For Genomic Medicine, NCGM
Classification: Likely pathogenic for Complex cortical dysplasia with other brain malformations 5. Review status: criteria provided, single submitter. Criteria: ACMG Guidelines, 2015. Collection method: clinical testing. Allele origin: germline. Affected: yes.
Comment: The missense variant p.E194K in TUBB2A (NM_001069.3) has been submitted to the ClinVar database as Pathogenic however no independent details are available for assesment. The variant has not been reported in literature in affected individuals. The p.E194K variant is novel (not in any individuals) in gnomAD Exomes and is novel (not in any individuals) in 1000 Genomes. The p.E194K missense variant is predicted to be damaging by both SIFT and PolyPhen2. The glutamic acid residue at codon 194 of TUBB2A is conserved in all mammalian species. The nucleotide c.580 in TUBB2A is predicted conserved by GERP++ and PhyloP across 100 vertebrates. For these reasons, this variant has been classified as Likely Pathogenic.